The following is an entry in ClinVar:

ClinVar aggregate classification (germline): Uncertain significance (1 of 4 stars; one submission).

gnomAD v4.1: 2 of 1,606,350 alleles (0.00012%); highest among the groups gnomAD compares: African/African-American, 0.0014%; no homozygotes.

Submission:

Labcorp Genetics (formerly Invitae), Labcorp
Classification: Uncertain significance. Last evaluated: 2022-09-23. Review status: criteria provided, single submitter. Criteria: Invitae Variant Classification Sherloc (09022015). Collection method: clinical testing. Allele origin: germline.
Comment: In summary, the available evidence is currently insufficient to determine the role of this variant in disease. Therefore, it has been classified as a Variant of Uncertain Significance. Algorithms developed to predict the effect of sequence changes on RNA splicing suggest that this variant may create or strengthen a splice site. This sequence change replaces arginine, which is basic and polar, with proline, which is neutral and non-polar, at codon 240 of the SLC6A19 protein (p.Arg240Pro). This variant is present in population databases (rs758492838, gnomAD 0.007%). This variant has not been reported in the literature in individuals affected with SLC6A19-related conditions. Advanced modeling of protein sequence and biophysical properties (such as structural, functional, and spatial information, amino acid conservation, physicochemical variation, residue mobility, and thermodynamic stability) performed at Invitae indicates that this missense variant is expected to disrupt SLC6A19 protein function.

NM_001003841.3(SLC6A19):c.719G>C (p.Arg240Pro)

Gene: SLC6A19 (solute carrier family 6 member 19; plus strand). Cytogenetic location: 5p15.33.
Variant type: single nucleotide variant.
Coding change: c.719G>C on transcript NM_001003841.3 (MANE Select); coding-DNA position 719, G replaced by C.
Protein change: p.Arg240Pro; replaces arginine 240 with proline.
Molecular consequence: missense variant.
Genome position (GRCh38, 1-based): chr5:1,213,518, G>C. VCF-style: chr5-1213518-G-C. GRCh37 (hg19) VCF-style: chr5-1213633-G-C.
Other names: short protein forms R240P.
Identifiers: ClinVar variation 1916505 (VCV001916505.5), dbSNP rs758492838, ClinGen allele CA3182845.